The following is an entry in ClinVar:

ClinVar aggregate classification (germline): Uncertain significance (1 of 4 stars; one submission).

Conditions:
X-linked lymphoproliferative disease due to XIAP deficiency. Also called: XIAP DEFICIENCY; XIAP-Related Lymphoproliferative Disease, X-Linked. Identifiers: Orphanet 2442, Orphanet 538934, MedGen C1845076, MONDO:0010385, OMIM 300635.

Submission:

Labcorp Genetics (formerly Invitae), Labcorp
Classification: Uncertain significance for X-linked lymphoproliferative disease due to XIAP deficiency. Last evaluated: 2025-12-10. Review status: criteria provided, single submitter. Criteria: Invitae Variant Classification Sherloc (09022015). Collection method: clinical testing. Allele origin: germline.
Comment: This sequence change replaces cysteine, which is neutral and slightly polar, with tyrosine, which is neutral and polar, at codon 202 of the XIAP protein (p.Cys202Tyr). This variant is not present in population databases (gnomAD no frequency). This variant has not been reported in the literature in individuals affected with XIAP-related conditions. Invitae Evidence Modeling of protein sequence and biophysical properties (such as structural, functional, and spatial information, amino acid conservation, physicochemical variation, residue mobility, and thermodynamic stability) indicates that this missense variant is not expected to disrupt XIAP protein function with a negative predictive value of 80%. In summary, the available evidence is currently insufficient to determine the role of this variant in disease. Therefore, it has been classified as a Variant of Uncertain Significance.

NM_001167.4(XIAP):c.605G>A (p.Cys202Tyr)

Gene: XIAP (X-linked inhibitor of apoptosis; plus strand). Cytogenetic location: Xq25.
Variant type: single nucleotide variant.
Coding change: c.605G>A on transcript NM_001167.4 (MANE Select); coding-DNA position 605, G replaced by A.
Protein change: p.Cys202Tyr; replaces cysteine 202 with tyrosine.
Molecular consequence: missense variant.
Genome position (GRCh38, 1-based): chrX:123,886,267, G>A. VCF-style: chrX-123886267-G-A. GRCh37 (hg19) VCF-style: chrX-123020117-G-A.
Other names: c.605G>A, p.Cys202Tyr (NM_001204401.2, NM_001378590.1, NM_001378591.1 and 1 more transcripts); short protein forms C202Y.
Identifiers: ClinVar variation 4690871 (VCV004690871.1).